The following is an entry in ClinVar:

NM_001376.5(DYNC1H1):c.452C>A (p.Ser151Tyr)

Gene: DYNC1H1 (dynein cytoplasmic 1 heavy chain 1; plus strand). Cytogenetic location: 14q32.31.
Variant type: single nucleotide variant.
Coding change: c.452C>A on transcript NM_001376.5 (MANE Select); coding-DNA position 452, C replaced by A.
Protein change: p.Ser151Tyr; replaces serine 151 with tyrosine.
Molecular consequence: missense variant.
Genome position (GRCh38, 1-based): chr14:101,979,426, C>A. VCF-style: chr14-101979426-C-A. GRCh37 (hg19) VCF-style: chr14-102445763-C-A.
Other names: short protein forms S151Y.
Identifiers: ClinVar variation 3368130 (VCV003368130.2).

ClinVar aggregate classification (germline): Uncertain significance (1 of 4 stars; one submission).

Submission:

GeneDx
Classification: Uncertain significance. Last evaluated: 2025-01-22. Review status: criteria provided, single submitter. Criteria: GeneDx Variant Classification Process June 2021. Collection method: clinical testing. Allele origin: germline.
Comment: Not observed at significant frequency in large population cohorts (gnomAD); In silico analysis supports that this missense variant has a deleterious effect on protein structure/function; Has not been previously published as pathogenic or benign to our knowledge; This variant is associated with the following publications: (PMID: 25512093, 25609763, 26100331)